The following is an entry in ClinVar:

NM_207361.6(FREM2):c.1675C>T (p.Gln559Ter)

Gene: FREM2 (FRAS1 related extracellular matrix 2; plus strand). Cytogenetic location: 13q13.3.
Variant type: single nucleotide variant.
Coding change: c.1675C>T on transcript NM_207361.6 (MANE Select); coding-DNA position 1675, C replaced by T.
Protein change: p.Gln559Ter; replaces glutamine 559 with a stop codon.
Molecular consequence: nonsense.
Genome position (GRCh38, 1-based): chr13:38,689,019, C>T. VCF-style: chr13-38689019-C-T. GRCh37 (hg19) VCF-style: chr13-39263156-C-T.
Other names: short protein forms Q559*.
Identifiers: ClinVar variation 2757384 (VCV002757384.3), dbSNP rs1270636463, ClinGen allele CA387886772.

ClinVar aggregate classification (germline): Pathogenic (1 of 4 stars; one submission).

Submission:

Labcorp Genetics (formerly Invitae), Labcorp
Classification: Pathogenic. Last evaluated: 2023-09-03. Review status: criteria provided, single submitter. Criteria: Invitae Variant Classification Sherloc (09022015). Collection method: clinical testing. Allele origin: germline.
Comment: For these reasons, this variant has been classified as Pathogenic. This variant has not been reported in the literature in individuals affected with FREM2-related conditions. This variant is not present in population databases (gnomAD no frequency). This sequence change creates a premature translational stop signal (p.Gln559*) in the FREM2 gene. It is expected to result in an absent or disrupted protein product. Loss-of-function variants in FREM2 are known to be pathogenic (PMID: 18203166, 26552811).

Literature cited by the submitters: PubMed 18203166; PubMed 26552811.